The following is an entry in ClinVar:

ClinVar aggregate classification (germline): Conflicting classifications of pathogenicity. Review status: criteria provided, conflicting classifications (1 of 4 stars). 3 submissions from 3 submitters: Pathogenic (1); Uncertain significance (2). Last evaluated 2025-10-07.

Conditions:
FAH-related disorder. Also called: FAH-related condition.
Tyrosinemia type I (TYRSN1). Also called: Deficiency of fumarylacetoacetase; FAH DEFICIENCY; HEPATORENAL TYROSINEMIA; Tyrosinemia type 1; Fumarylacetoacetase deficiency. Identifiers: Orphanet 882, MedGen C0268490, MONDO:0010161, OMIM 276700. Disease mechanism: loss of function.

Allele frequency attached by ClinVar (database versions not stated): TOPMed below 0.00001.

Submissions (3):

Dasa
Classification: Uncertain significance. Last evaluated: 2025-10-07. Review status: criteria provided, single submitter. Criteria: DASA Assertion Criteria. Collection method: clinical testing. Allele origin: germline.
Comment: NM_000137.4(FAH):c.61G>T (p.Val21Phe) is a missense variant that results in the substitution of valine with phenylalanine. This variant is rare in population databases. Computational prediction algorithms are consistent with a deleterious effect. The currently available literature and clinical evidence are not sufficient to establish a definitive association between this variant and the reported condition. Therefore, this variant is classified as a variant of uncertain significance.

PreventionGenetics, part of Exact Sciences
Classification: Uncertain significance for FAH-related condition. Last evaluated: 2025-02-05. Review status: criteria provided, single submitter. Criteria: ACMG Guidelines, 2015. Collection method: clinical testing. Allele origin: germline.
Comment: The FAH c.61G>T variant is predicted to result in the amino acid substitution p.Val21Phe. To our knowledge, this variant has not been reported in the literature or in a large population database (gnomAD), indicating this variant is rare. This variant is interpreted as pathogenic by a single laboratory in ClinVar (ClinVar ID: 1685807). Although we suspect that this variant may be pathogenic, at this time, the clinical significance of this variant is uncertain due to the absence of conclusive functional and genetic evidence.

Mendelics
Classification: Pathogenic for Tyrosinemia type I. Last evaluated: 2022-05-04. Review status: criteria provided, single submitter. Criteria: Mendelics Assertion Criteria 2019. Collection method: clinical testing. Allele origin: germline.

NM_000137.4(FAH):c.61G>T (p.Val21Phe)

Gene: FAH (fumarylacetoacetate hydrolase; plus strand). Cytogenetic location: 15q25.1.
Variant type: single nucleotide variant.
Coding change: c.61G>T on transcript NM_000137.4 (MANE Select); coding-DNA position 61, G replaced by T.
Protein change: p.Val21Phe; replaces valine 21 with phenylalanine.
Molecular consequence: missense variant.
Genome position (GRCh38, 1-based): chr15:80,153,115, G>T. VCF-style: chr15-80153115-G-T. GRCh37 (hg19) VCF-style: chr15-80445457-G-T.
Other names: c.61G>T (NM_000137.2); c.61G>T, p.Val21Phe (NM_001374377.1, NM_001374380.1); short protein forms V21F.
Identifiers: ClinVar variation 1685807 (VCV001685807.4), dbSNP rs2041065908, ClinGen allele CA393615587.